The following is an entry in ClinVar:

ClinVar aggregate classification (germline): Likely benign. Review status: criteria provided, multiple submitters, no conflicts (2 of 4 stars). 3 submissions from 3 submitters: Likely benign (2). 1 of the submissions does not count toward it. Last evaluated 2020-03-20.

Conditions:
FG syndrome (FGS). Identifiers: MedGen C0220769, MONDO:0002010.
Familial thoracic aortic aneurysm and aortic dissection (TAAD). Also called: Thoracic aortic aneurysms and dissections. Identifiers: Orphanet 91387, MedGen C4707243, MONDO:0019625.
MED12-Related Disorders. Also called: MED12-related condition; MED12-related disorder. Identifiers: MedGen CN381102.

Allele frequency attached by ClinVar (database versions not stated): gnomAD exomes below 0.00001.
gnomAD v4.1: 3 of 1,207,678 alleles (0.00025%); highest among the groups gnomAD compares: Middle Eastern, 0.023%; no homozygotes.

Submissions (3):

Labcorp Genetics (formerly Invitae), Labcorp
Classification: Likely benign for FG syndrome. Last evaluated: 2020-03-20. Review status: criteria provided, single submitter. Criteria: Invitae Variant Classification Sherloc (09022015). Collection method: clinical testing. Allele origin: germline.

Ambry Genetics
Classification: Likely benign for Familial thoracic aortic aneurysm and aortic dissection. Last evaluated: 2017-01-23. Review status: criteria provided, single submitter. Criteria: Ambry Variant Classification Scheme 2023. Collection method: clinical testing. Allele origin: germline.

PreventionGenetics, part of Exact Sciences
Classification: Likely benign for MED12-related condition. Last evaluated: 2019-04-30. Review status: no assertion criteria provided. Collection method: clinical testing. Allele origin: germline. Not counted in ClinVar's aggregate classification.
Comment: This variant is classified as likely benign based on ACMG/AMP sequence variant interpretation guidelines (Richards et al. 2015 PMID: 25741868, with internal and published modifications).

NM_005120.3(MED12):c.6204G>A (p.Gln2068=)

Gene: MED12 (mediator complex subunit 12; plus strand). Cytogenetic location: Xq13.1.
Variant type: single nucleotide variant.
Coding change: c.6204G>A on transcript NM_005120.3 (MANE Select); coding-DNA position 6204, G replaced by A.
Protein change: p.Gln2068=; no amino-acid change (glutamine 2068 retained).
Molecular consequence: synonymous variant.
Genome position (GRCh38, 1-based): chrX:71,140,794, G>A. VCF-style: chrX-71140794-G-A. GRCh37 (hg19) VCF-style: chrX-70360644-G-A.
Identifiers: ClinVar variation 588704 (VCV000588704.16), dbSNP rs1283568825, ClinGen allele CA516728109.